The following is an entry in ClinVar:

ClinVar aggregate classification (germline): Uncertain significance. Review status: criteria provided, multiple submitters, no conflicts (2 of 4 stars). 3 submissions from 3 submitters: Uncertain significance (3). Last evaluated 2024-10-11.

Conditions:
RYR2-related disorder. Also called: RYR2-related condition.
Cardiomyopathy (CMYO). Also called: Cardiomyopathies. Identifiers: Orphanet 167848, MedGen C0878544, MONDO:0004994, HP:0001638. Inheritance: Various modes of inheritance.
Catecholaminergic polymorphic ventricular tachycardia (CVPT). Also called: Catecholamine-induced polymorphic ventricular tachycardia. Identifiers: Orphanet 3286, MedGen C5574922, MONDO:0017990.

Submissions (3):

PreventionGenetics, part of Exact Sciences
Classification: Uncertain significance for RYR2-related condition. Last evaluated: 2024-10-11. Review status: criteria provided, single submitter. Criteria: ACMG Guidelines, 2015. Collection method: clinical testing. Allele origin: germline.
Comment: The RYR2 c.9811G>C variant is predicted to result in the amino acid substitution p.Glu3271Gln. To our knowledge, this variant has not been reported in the literature or in a large population database (gnomAD), indicating this variant is rare. At this time, the clinical significance of this variant is uncertain due to the absence of conclusive functional and genetic evidence.

All of Us Research Program, National Institutes of Health
Classification: Uncertain significance for Catecholaminergic polymorphic ventricular tachycardia. Last evaluated: 2023-03-07. Review status: criteria provided, single submitter. Criteria: ACMG Guidelines, 2015. Collection method: clinical testing. Allele origin: germline. Inheritance: Autosomal dominant inheritance. Observed: 1 variant allele, 1 heterozygote.
Comment: This missense variant replaces glutamic acid with glutamine at codon 3271 of the RYR2 protein. Computational prediction suggests that this variant may not impact protein structure and function (internally defined REVEL score threshold <= 0.5, PMID: 27666373). To our knowledge, functional studies have not been reported for this variant. This variant has not been reported in individuals affected with RYR2-related disorders in the literature. This variant has not been identified in the general population by the Genome Aggregation Database (gnomAD). The available evidence is insufficient to determine the role of this variant in disease conclusively. Therefore, this variant is classified as a Variant of Uncertain Significance.

This study involves interpretation of variants in research participants for the purpose of population health screening. Participant phenotype was not available at the time of variant classification. Additional details can be found in publication PMID: 35346344, PMCID: PMC8962531

Color Diagnostics, LLC DBA Color Health
Classification: Uncertain significance for Cardiomyopathy. Last evaluated: 2022-11-06. Review status: criteria provided, single submitter. Criteria: ACMG Guidelines, 2015. Collection method: clinical testing. Allele origin: germline.
Comment: This missense variant replaces glutamic acid with glutamine at codon 3271 of the RYR2 protein. Computational prediction suggests that this variant may not impact protein structure and function (internally defined REVEL score threshold <= 0.5, PMID: 27666373). To our knowledge, functional studies have not been reported for this variant. This variant has not been reported in individuals affected with RYR2-related disorders in the literature. This variant has not been identified in the general population by the Genome Aggregation Database (gnomAD). The available evidence is insufficient to determine the role of this variant in disease conclusively. Therefore, this variant is classified as a Variant of Uncertain Significance.

NM_001035.3(RYR2):c.9811G>C (p.Glu3271Gln)

Gene: RYR2 (ryanodine receptor 2; plus strand). Cytogenetic location: 1q43.
Variant type: single nucleotide variant.
Coding change: c.9811G>C on transcript NM_001035.3 (MANE Select); coding-DNA position 9811, G replaced by C.
Protein change: p.Glu3271Gln; replaces glutamic acid 3271 with glutamine.
Molecular consequence: missense variant.
Genome position (GRCh38, 1-based): chr1:237,707,179, G>C. VCF-style: chr1-237707179-G-C. GRCh37 (hg19) VCF-style: chr1-237870479-G-C.
Other names: c.9811G>C (NM_001035.2); short protein forms E3271Q.
Identifiers: ClinVar variation 2774368 (VCV002774368.4), dbSNP rs1688453287, ClinGen allele CA345409107.